The following is an entry in ClinVar:

NM_005618.4(DLL1):c.1228A>T (p.Ser410Cys)

Gene: DLL1 (delta like canonical Notch ligand 1; minus strand). Cytogenetic location: 6q27.
Variant type: single nucleotide variant.
Coding change: c.1228A>T on transcript NM_005618.4 (MANE Select); coding-DNA position 1228, A replaced by T.
Protein change: p.Ser410Cys; replaces serine 410 with cysteine.
Molecular consequence: missense variant.
Genome position (GRCh38, 1-based): chr6:170,284,940, T>A on the plus strand (A>T on the coding strand, the complement: DLL1 is on the minus strand). VCF-style: chr6-170284940-T-A. GRCh37 (hg19) VCF-style: chr6-170594028-T-A.
Other names: short protein forms S410C.
Identifiers: ClinVar variation 3364439 (VCV003364439.1).
Genomic context (GRCh38, chr6:170,284,940, plus strand): 5'-TCGCCCGAGTCTCTGAGCAATCACCAGCTGCCCCCTTACCATTAGAACAGGGTGAAGAGC[T>A]GCAGTAGTCAATTTTCTTCTCACAGTTGAAGCCGGAGTAGCCCACGGGGCAGCGGCAGCT-3'
Protein context (NP_005609.3, residues 400-420): FNCEKKIDYC[Ser410Cys]SSPCSNGAKC

ClinVar aggregate classification (germline): Uncertain significance (1 of 4 stars; one submission).

gnomAD v4.1: 1 of 1,614,006 alleles (0.000062%); highest among the groups gnomAD compares: Non-Finnish European, 0.000085%; no homozygotes.

Submission:

GeneDx
Classification: Uncertain significance. Last evaluated: 2023-11-15. Review status: criteria provided, single submitter. Criteria: GeneDx Variant Classification Process June 2021. Collection method: clinical testing. Allele origin: germline. Affected: yes.
Comment: Has not been previously published as pathogenic or benign to our knowledge; Not observed at significant frequency in large population cohorts (gnomAD); In silico analysis supports that this missense variant has a deleterious effect on protein structure/function